The following is an entry in ClinVar:

ClinVar aggregate classification (germline): Uncertain significance (1 of 4 stars; one submission).

Conditions:
Primary ciliary dyskinesia. Also called: Ciliary dyskinesia. Identifiers: Orphanet 244, MedGen C0008780, MONDO:0016575, HP:0012265.

Allele frequency attached by ClinVar (database versions not stated): TOPMed below 0.00001; ExAC 0.00002.
gnomAD v4.1: 26 of 1,613,998 alleles (0.0016%); highest among the groups gnomAD compares: Non-Finnish European, 0.0019%; no homozygotes.

Submission:

Labcorp Genetics (formerly Invitae), Labcorp
Classification: Uncertain significance for Primary ciliary dyskinesia. Last evaluated: 2022-03-26. Review status: criteria provided, single submitter. Criteria: Invitae Variant Classification Sherloc (09022015). Collection method: clinical testing. Allele origin: germline.
Comment: This sequence change falls in intron 27 of the DNAH5 gene. It does not directly change the encoded amino acid sequence of the DNAH5 protein. This variant is present in population databases (rs773986737, gnomAD 0.002%). This variant has not been reported in the literature in individuals affected with DNAH5-related conditions. Algorithms developed to predict the effect of sequence changes on RNA splicing suggest that this variant may create or strengthen a splice site. In summary, the available evidence is currently insufficient to determine the role of this variant in disease. Therefore, it has been classified as a Variant of Uncertain Significance.

NM_001369.3(DNAH5):c.4356-15G>A

Genes: DNAH5 (dynein axonemal heavy chain 5; minus strand), DNAH5-AS1 (DNAH5 antisense RNA 1; plus strand). Cytogenetic location: 5p15.2.
Variant type: single nucleotide variant.
Coding change: c.4356-15G>A on transcript NM_001369.3 (MANE Select); 15 bases into the intron before coding-DNA position 4356, G replaced by A.
Molecular consequence: intron variant.
Genome position (GRCh38, 1-based): chr5:13,864,652, C>T on the plus strand (G>A on the coding strand, the complement: DNAH5 is on the minus strand). VCF-style: chr5-13864652-C-T. GRCh37 (hg19) VCF-style: chr5-13864761-C-T.
Identifiers: ClinVar variation 1900001 (VCV001900001.2), dbSNP rs773986737, ClinGen allele CA3203995.